The following is an entry in ClinVar:

NM_019040.5(ELP4):c.731A>G (p.Asn244Ser)

Gene: ELP4 (elongator acetyltransferase complex subunit 4; plus strand). Cytogenetic location: 11p13.
Variant type: single nucleotide variant.
Coding change: c.731A>G on transcript NM_019040.5 (MANE Select); coding-DNA position 731, A replaced by G.
Protein change: p.Asn244Ser; replaces asparagine 244 with serine.
Molecular consequence: missense variant.
Genome position (GRCh38, 1-based): chr11:31,627,187, A>G. VCF-style: chr11-31627187-A-G. GRCh37 (hg19) VCF-style: chr11-31648734-A-G.
Other names: c.734A>G, p.Asn245Ser (NM_001288725.2); c.731A>G, p.Asn244Ser (NM_001288726.2); short protein forms N245S, N244S.
Identifiers: ClinVar variation 4017692 (VCV004017692.2).

ClinVar aggregate classification (germline): Uncertain significance. Review status: criteria provided, multiple submitters, no conflicts (2 of 4 stars). 2 submissions from 2 submitters: Uncertain significance (2). Last evaluated 2025-12-22.

gnomAD v4.1: 36 of 1,558,692 alleles (0.0023%); highest among the groups gnomAD compares: South Asian, 0.031%; no homozygotes.

Submissions (2):

Labcorp Genetics (formerly Invitae), Labcorp
Classification: Uncertain significance. Last evaluated: 2025-12-22. Review status: criteria provided, single submitter. Criteria: Invitae Variant Classification Sherloc (09022015). Collection method: clinical testing. Allele origin: germline.
Comment: This sequence change replaces asparagine, which is neutral and polar, with serine, which is neutral and polar, at codon 244 of the ELP4 protein (p.Asn244Ser). This variant is present in population databases (rs570788112, gnomAD 0.04%). This variant has not been reported in the literature in individuals affected with ELP4-related conditions. ClinVar contains an entry for this variant (Variation ID: 4017692). An algorithm developed to predict the effect of missense changes on protein structure and function outputs the following: PolyPhen-2: "Benign". The serine amino acid residue is found in multiple mammalian species, which suggests that this missense change does not adversely affect protein function. In summary, the available evidence is currently insufficient to determine the role of this variant in disease. Therefore, it has been classified as a Variant of Uncertain Significance.

Ambry Genetics
Classification: Uncertain significance. Last evaluated: 2025-03-18. Review status: criteria provided, single submitter. Criteria: Ambry Variant Classification Scheme 2023. Collection method: clinical testing. Allele origin: germline.